The following is an entry in ClinVar:

ClinVar aggregate classification (germline): Uncertain significance (1 of 4 stars; one submission).

Allele frequency attached by ClinVar (database versions not stated): ExAC 0.00001; gnomAD 0.00003; TOPMed 0.00003.
gnomAD v4.1: 83 of 1,611,574 alleles (0.0052%); highest among the groups gnomAD compares: South Asian, 0.0077%; no homozygotes.

Submission:

GeneDx
Classification: Uncertain significance. Last evaluated: 2026-09-11. Review status: criteria provided, single submitter. Criteria: GeneDx Variant Classification Process June 2021. Collection method: clinical testing. Allele origin: germline.
Comment: In silico analysis indicates that this missense variant does not alter protein structure/function; Functional studies suggest that this variant does not impact PIDD1 function (PMID: 33414379); This variant is associated with the following publications: (PMID: 37530438, 33414379)

NM_145886.4(PIDD1):c.2626G>A (p.Gly876Ser)

Gene: PIDD1 (p53-induced death domain protein 1; minus strand). Cytogenetic location: 11p15.5.
Variant type: single nucleotide variant.
Coding change: c.2626G>A on transcript NM_145886.4 (MANE Select); coding-DNA position 2626, G replaced by A.
Protein change: p.Gly876Ser; replaces glycine 876 with serine.
Molecular consequence: missense variant.
Genome position (GRCh38, 1-based): chr11:799,414, C>T on the plus strand (G>A on the coding strand, the complement: PIDD1 is on the minus strand). VCF-style: chr11-799414-C-T. GRCh37 (hg19) VCF-style: chr11-799414-C-T.
Other names: c.2575G>A, p.Gly859Ser (NM_145887.4); short protein forms G859S, G876S.
Identifiers: ClinVar variation 1712526 (VCV001712526.3), dbSNP rs747708033, ClinGen allele CA5789478.
Genomic context (GRCh38, chr11:799,414, plus strand): 5'-GAGCGGGGTCCTTGGGGGCCAAGCCCATGCGTCGGATGCTGTCCTGGTACTTGCGGCGGC[C>T]GAGCTCCAAGACTGCGCGCACCTCTTCAGCCACGTCCTGCCGGTCACTCTGCTCCAGGGC-3'
Protein context (NP_665893.2, residues 866-886): AEEVRAVLEL[Gly876Ser]RRKYQDSIRR